The following is an entry in ClinVar:

NM_021830.5(TWNK):c.694A>G (p.Ser232Gly)

Gene: TWNK (twinkle mtDNA helicase; plus strand). Cytogenetic location: 10q24.31.
Variant type: single nucleotide variant.
Coding change: c.694A>G on transcript NM_021830.5 (MANE Select); coding-DNA position 694, A replaced by G.
Protein change: p.Ser232Gly; replaces serine 232 with glycine.
Molecular consequence: missense variant. On other transcripts: non-coding transcript variant (4), intron variant (3).
Genome position (GRCh38, 1-based): chr10:100,988,904, A>G. VCF-style: chr10-100988904-A-G. GRCh37 (hg19) VCF-style: chr10-102748661-A-G.
Other names: c.694A>G, p.Ser232Gly (NM_001163812.2); c.-119-740A>G (NM_001163814.2, NM_001163813.2); c.-57-802A>G (NM_001368275.1); c.694A>G (NM_021830.4); short protein forms S232G.
Identifiers: ClinVar variation 2182700 (VCV002182700.6), dbSNP rs374836149, ClinGen allele CA5653103.

ClinVar aggregate classification (germline): Uncertain significance. Review status: criteria provided, multiple submitters, no conflicts (2 of 4 stars). 3 submissions from 3 submitters: Uncertain significance (3). Last evaluated 2025-05-03.

Conditions:
TWNK-related disorder. Also called: TWNK-related condition.

Allele frequency attached by ClinVar (database versions not stated): ExAC 0.00002; TOPMed 0.00002; gnomAD exomes 0.00003; gnomAD 0.00005; ESP Exome Variant Server 0.00008.
gnomAD v4.1: 57 of 1,614,034 alleles (0.0035%); highest among the groups gnomAD compares: Non-Finnish European, 0.0046%; no homozygotes.

Submissions (3):

PreventionGenetics, part of Exact Sciences
Classification: Uncertain significance for TWNK-related condition. Last evaluated: 2025-05-03. Review status: criteria provided, single submitter. Criteria: ACMG Guidelines, 2015. Collection method: clinical testing. Allele origin: germline.
Comment: The TWNK c.694A>G variant is predicted to result in the amino acid substitution p.Ser232Gly. To our knowledge, this variant has not been reported in the literature. This variant is reported in 0.0077% of alleles in individuals of European (Non-Finnish) descent in gnomAD. At this time, the clinical significance of this variant is uncertain due to the absence of conclusive functional and genetic evidence.

GeneDx
Classification: Uncertain significance. Last evaluated: 2024-10-09. Review status: criteria provided, single submitter. Criteria: GeneDx Variant Classification Process June 2021. Collection method: clinical testing. Allele origin: germline. Affected: yes.
Comment: In silico analysis indicates that this missense variant does not alter protein structure/function; Has not been previously published as pathogenic or benign to our knowledge

Labcorp Genetics (formerly Invitae), Labcorp
Classification: Uncertain significance. Last evaluated: 2024-04-11. Review status: criteria provided, single submitter. Criteria: Invitae Variant Classification Sherloc (09022015). Collection method: clinical testing. Allele origin: germline.
Comment: This sequence change replaces serine, which is neutral and polar, with glycine, which is neutral and non-polar, at codon 232 of the TWNK protein (p.Ser232Gly). This variant is present in population databases (rs374836149, gnomAD 0.008%). This variant has not been reported in the literature in individuals affected with TWNK-related conditions. ClinVar contains an entry for this variant (Variation ID: 2182700). Advanced modeling of protein sequence and biophysical properties (such as structural, functional, and spatial information, amino acid conservation, physicochemical variation, residue mobility, and thermodynamic stability) performed at Invitae indicates that this missense variant is not expected to disrupt TWNK protein function with a negative predictive value of 95%. In summary, the available evidence is currently insufficient to determine the role of this variant in disease. Therefore, it has been classified as a Variant of Uncertain Significance.